The following is an entry in ClinVar:

NM_000089.4(COL1A2):c.1723C>A (p.Leu575Ile)

Gene: COL1A2 (collagen type I alpha 2 chain; plus strand). Cytogenetic location: 7q21.3.
Variant type: single nucleotide variant.
Coding change: c.1723C>A on transcript NM_000089.4 (MANE Select); coding-DNA position 1723, C replaced by A.
Protein change: p.Leu575Ile; replaces leucine 575 with isoleucine.
Molecular consequence: missense variant.
Genome position (GRCh38, 1-based): chr7:94,415,229, C>A. VCF-style: chr7-94415229-C-A. GRCh37 (hg19) VCF-style: chr7-94044541-C-A.
Other names: short protein forms L575I.
Identifiers: ClinVar variation 4788095 (VCV004788095.2).

ClinVar aggregate classification (germline): Uncertain significance. Review status: criteria provided, multiple submitters, no conflicts (2 of 4 stars). 2 submissions from 2 submitters: Uncertain significance (2). Last evaluated 2026-05-27.

Conditions:
Cardiovascular phenotype. Identifiers: MedGen CN230736.
Ehlers-Danlos syndrome, classic type, 1 (EDSCL1). Also called: EHLERS-DANLOS SYNDROME, GRAVIS TYPE; EHLERS-DANLOS SYNDROME, SEVERE CLASSIC TYPE; Ehlers-Danlos syndrome, type 1; Ehlers-Danlos Syndrome, Classic Type, COL5A1-Related; EDS I. Identifiers: MedGen C0268335, MONDO:0019567, OMIM 130000.
Osteogenesis imperfecta type I (OI1). Also called: OI, TYPE I; OSTEOGENESIS IMPERFECTA TARDA; OSTEOGENESIS IMPERFECTA WITH BLUE SCLERAE; Osteogenesis imperfecta type 1; Lobstein's Disease; Lobstein disease. Identifiers: Orphanet 216796, Orphanet 666, MedGen C0023931, MONDO:0008146, OMIM 166200. Disease mechanism: loss of function.

Submissions (2):

Ambry Genetics
Classification: Uncertain significance for Cardiovascular phenotype. Last evaluated: 2026-05-27. Review status: criteria provided, single submitter. Criteria: Ambry Variant Classification Scheme 2023. Collection method: clinical testing. Allele origin: germline.

Labcorp Genetics (formerly Invitae), Labcorp
Classification: Uncertain significance for Osteogenesis imperfecta type I; Ehlers-Danlos syndrome, classic type, 1. Last evaluated: 2025-09-21. Review status: criteria provided, single submitter. Criteria: Invitae Variant Classification Sherloc (09022015). Collection method: clinical testing. Allele origin: germline.
Comment: This sequence change replaces leucine, which is neutral and non-polar, with isoleucine, which is neutral and non-polar, at codon 575 of the COL1A2 protein (p.Leu575Ile). This variant is not present in population databases (gnomAD no frequency). This variant has not been reported in the literature in individuals affected with COL1A2-related conditions. Invitae Evidence Modeling of protein sequence and biophysical properties (such as structural, functional, and spatial information, amino acid conservation, physicochemical variation, residue mobility, and thermodynamic stability) indicates that this missense variant is not expected to disrupt COL1A2 protein function with a negative predictive value of 95%. In summary, the available evidence is currently insufficient to determine the role of this variant in disease. Therefore, it has been classified as a Variant of Uncertain Significance.